The following is an entry in ClinVar:

ClinVar aggregate classification (germline): Uncertain significance (1 of 4 stars; one submission).

Submission:

Labcorp Genetics (formerly Invitae), Labcorp
Classification: Uncertain significance. Last evaluated: 2025-02-25. Review status: criteria provided, single submitter. Criteria: Invitae Variant Classification Sherloc (09022015). Collection method: clinical testing. Allele origin: germline.
Comment: This sequence change replaces serine, which is neutral and polar, with proline, which is neutral and non-polar, at codon 47 of the KIF20A protein (p.Ser47Pro). This variant is not present in population databases (gnomAD no frequency). This variant has not been reported in the literature in individuals affected with KIF20A-related conditions. ClinVar contains an entry for this variant (Variation ID: 2976369). An algorithm developed to predict the effect of missense changes on protein structure and function (PolyPhen-2) suggests that this variant is likely to be disruptive. In summary, the available evidence is currently insufficient to determine the role of this variant in disease. Therefore, it has been classified as a Variant of Uncertain Significance.

NM_005733.3(KIF20A):c.139T>C (p.Ser47Pro)

Gene: KIF20A (kinesin family member 20A; plus strand). Cytogenetic location: 5q31.2.
Variant type: single nucleotide variant.
Coding change: c.139T>C on transcript NM_005733.3 (MANE Select); coding-DNA position 139, T replaced by C.
Protein change: p.Ser47Pro; replaces serine 47 with proline.
Molecular consequence: missense variant.
Genome position (GRCh38, 1-based): chr5:138,179,819, T>C. VCF-style: chr5-138179819-T-C. GRCh37 (hg19) VCF-style: chr5-137515508-T-C.
Other names: short protein forms S47P.
Identifiers: ClinVar variation 2976369 (VCV002976369.3), dbSNP rs2482169353, ClinGen allele CA361111798.